The following is an entry in ClinVar:

NM_025132.4(WDR19):c.1466T>C (p.Ile489Thr)

Gene: WDR19 (WD repeat domain 19; plus strand). Cytogenetic location: 4p14.
Variant type: single nucleotide variant.
Coding change: c.1466T>C on transcript NM_025132.4 (MANE Select); coding-DNA position 1466, T replaced by C.
Protein change: p.Ile489Thr; replaces isoleucine 489 with threonine.
Molecular consequence: missense variant.
Genome position (GRCh38, 1-based): chr4:39,218,092, T>C. VCF-style: chr4-39218092-T-C. GRCh37 (hg19) VCF-style: chr4-39219712-T-C.
Other names: c.986T>C, p.Ile329Thr (NM_001317924.2); short protein forms I329T, I489T.
Identifiers: ClinVar variation 1056069 (VCV001056069.9), dbSNP rs1729266547, ClinGen allele CA356631313.

ClinVar aggregate classification (germline): Uncertain significance (1 of 4 stars; one submission).

Conditions:
Senior-Loken syndrome 8 (SLSN8). Identifiers: Orphanet 3156, MedGen C4225376, MONDO:0014579, OMIM 616307.
Asphyxiating thoracic dystrophy 5 (SRTD5). Also called: SHORT-RIB THORACIC DYSPLASIA 5 WITH OR WITHOUT POLYDACTYLY; SHORT-RIB THORACIC DYSPLASIA 5 WITHOUT POLYDACTYLY. Identifiers: Orphanet 474, MedGen C3280598, MONDO:0013717, OMIM 614376.

Allele frequency attached by ClinVar (database versions not stated): gnomAD 0.00001.
gnomAD v4.1: 1 of 1,613,798 alleles (0.000062%); highest among the groups gnomAD compares: Admixed American, 0.0017%; no homozygotes.

Submission:

Labcorp Genetics (formerly Invitae), Labcorp
Classification: Uncertain significance for Senior-Loken syndrome 8; Asphyxiating thoracic dystrophy 5. Last evaluated: 2020-06-23. Review status: criteria provided, single submitter. Criteria: Invitae Variant Classification Sherloc (09022015). Collection method: clinical testing. Allele origin: germline.
Comment: This sequence change replaces isoleucine with threonine at codon 489 of the WDR19 protein (p.Ile489Thr). The isoleucine residue is highly conserved and there is a moderate physicochemical difference between isoleucine and threonine. In summary, the available evidence is currently insufficient to determine the role of this variant in disease. Therefore, it has been classified as a Variant of Uncertain Significance. Algorithms developed to predict the effect of missense changes on protein structure and function (SIFT, PolyPhen-2, Align-GVGD) all suggest that this variant is likely to be disruptive, but these predictions have not been confirmed by published functional studies and their clinical significance is uncertain. This variant has been observed in individual(s) with clinical features of WDR19-related conditions (Invitae). In at least one individual the data is consistent with the variant being in trans (on the opposite chromosome) from a pathogenic variant. This variant is not present in population databases (ExAC no frequency).